The following is an entry in ClinVar:

ClinVar aggregate classification (germline): Uncertain significance. Review status: criteria provided, multiple submitters, no conflicts (2 of 4 stars). 2 submissions from 2 submitters: Uncertain significance (2). Last evaluated 2023-10-03.

Conditions:
Cerebral folate transport deficiency. Also called: NEURODEGENERATION DUE TO CEREBRAL FOLATE TRANSPORT DEFICIENCY; FOLR1-Related Cerebral Folate Transport Deficiency; Neurodegenerative syndrome due to cerebral folate transport deficiency; FOLATE RECEPTOR DEFICIENCY; Cerebral folate deficiency syndrome. Identifiers: Orphanet 217382, MedGen C2751584, MONDO:0013110, OMIM 613068. Disease mechanism: loss of function.

Allele frequency attached by ClinVar (database versions not stated): TOPMed below 0.00001; gnomAD 0.00001; gnomAD exomes 0.00001.
gnomAD v4.1: 16 of 1,613,914 alleles (0.00099%); highest among the groups gnomAD compares: East Asian, 0.0022%; no homozygotes.

Submissions (2):

Labcorp Genetics (formerly Invitae), Labcorp
Classification: Uncertain significance for Cerebral folate transport deficiency. Last evaluated: 2023-10-03. Review status: criteria provided, single submitter. Criteria: Invitae Variant Classification Sherloc (09022015). Collection method: clinical testing. Allele origin: germline.
Comment: This sequence change replaces glutamic acid, which is acidic and polar, with lysine, which is basic and polar, at codon 55 of the FOLR1 protein (p.Glu55Lys). The frequency data for this variant in the population databases is considered unreliable, as metrics indicate poor data quality at this position in the gnomAD database. This variant has not been reported in the literature in individuals affected with FOLR1-related conditions. ClinVar contains an entry for this variant (Variation ID: 1506526). Advanced modeling of protein sequence and biophysical properties (such as structural, functional, and spatial information, amino acid conservation, physicochemical variation, residue mobility, and thermodynamic stability) performed at Invitae indicates that this missense variant is not expected to disrupt FOLR1 protein function. In summary, the available evidence is currently insufficient to determine the role of this variant in disease. Therefore, it has been classified as a Variant of Uncertain Significance.

GeneDx
Classification: Uncertain significance. Last evaluated: 2022-02-03. Review status: criteria provided, single submitter. Criteria: GeneDx Variant Classification Process June 2021. Collection method: clinical testing. Allele origin: germline. Affected: yes.
Comment: Not observed at significant frequency in large population cohorts (gnomAD); In silico analysis supports that this missense variant does not alter protein structure/function; Has not been previously published as pathogenic or benign to our knowledge

NM_016729.3(FOLR1):c.163G>A (p.Glu55Lys)

Genes: FOLR1 (folate receptor alpha; plus strand), FOLR1-AS1 (FOLR1 antisense RNA 1; minus strand). Cytogenetic location: 11q13.4.
Variant type: single nucleotide variant.
Coding change: c.163G>A on transcript NM_016729.3 (MANE Select); coding-DNA position 163, G replaced by A.
Protein change: p.Glu55Lys; replaces glutamic acid 55 with lysine.
Molecular consequence: missense variant.
Genome position (GRCh38, 1-based): chr11:72,192,336, G>A. VCF-style: chr11-72192336-G-A. GRCh37 (hg19) VCF-style: chr11-71903380-G-A.
Other names: c.163G>A, p.Glu55Lys (NM_000802.3, NM_016724.3, NM_016725.3); short protein forms E55K.
Identifiers: ClinVar variation 1506526 (VCV001506526.9), dbSNP rs1370692247, ClinGen allele CA381730046.
Genomic context (GRCh38, chr11:72,192,336, plus strand): 5'-AATGTCTGCATGAACGCCAAGCACCACAAGGAAAAGCCAGGCCCCGAGGACAAGTTGCAT[G>A]AGCAGGTGGGCCAGGGGGTGATCTGGGGTGGTGAGGGACTGGCTCAGGAAGAGGAAACGA-3'
Protein context (NP_057941.1, residues 45-65): EKPGPEDKLH[Glu55Lys]QCRPWRKNAC